The following is an entry in ClinVar:

ClinVar aggregate classification (germline): Uncertain significance. Review status: criteria provided, multiple submitters, no conflicts (2 of 4 stars). 3 submissions from 3 submitters: Uncertain significance (3). Last evaluated 2025-11-19.

Conditions:
Arrhythmogenic right ventricular dysplasia 5. Also called: Arrhythmogenic Right Ventricular Dysplasia/Cardiomyopathy 5; ARRHYTHMOGENIC RIGHT VENTRICULAR DYSPLASIA, FAMILIAL, 5. Identifiers: MedGen C1858379, MONDO:0011459, OMIM 604400.
Cardiomyopathy (CMYO). Also called: Cardiomyopathies. Identifiers: Orphanet 167848, MedGen C0878544, MONDO:0004994, HP:0001638. Inheritance: Various modes of inheritance.
Cardiovascular phenotype. Identifiers: MedGen CN230736.

Allele frequency attached by ClinVar (database versions not stated): gnomAD exomes below 0.00001; ExAC 0.00002.

Submissions (3):

Color Diagnostics, LLC DBA Color Health
Classification: Uncertain significance for Cardiomyopathy. Last evaluated: 2025-11-19. Review status: criteria provided, single submitter. Criteria: ACMG Guidelines, 2015. Collection method: clinical testing. Allele origin: germline.
Comment: This missense variant replaces histidine with tyrosine at codon 14 of the TMEM43 protein. Computational prediction suggests that this variant may not impact protein structure and function. To our knowledge, functional studies have not been reported for this variant. This variant has not been reported in individuals affected with TMEM43-related disorders in the literature. This variant has been identified in 5/1612874 chromosomes in the general population by the Genome Aggregation Database (gnomAD). The available evidence is insufficient to determine the role of this variant in disease conclusively. Therefore, this variant is classified as a Variant of Uncertain Significance.

Ambry Genetics
Classification: Uncertain significance for Cardiovascular phenotype. Last evaluated: 2025-09-30. Review status: criteria provided, single submitter. Criteria: Ambry Variant Classification Scheme 2023. Collection method: clinical testing. Allele origin: germline.
Comment: The p.H14Y variant (also known as c.40C>T), located in coding exon 2 of the TMEM43 gene, results from a C to T substitution at nucleotide position 40. The histidine at codon 14 is replaced by tyrosine, an amino acid with similar properties. This amino acid position is highly conserved in available vertebrate species. In addition, this alteration is predicted to be tolerated by in silico analysis. Based on the available evidence, the clinical significance of this variant remains unclear.

Labcorp Genetics (formerly Invitae), Labcorp
Classification: Uncertain significance for Arrhythmogenic right ventricular dysplasia 5. Last evaluated: 2023-01-23. Review status: criteria provided, single submitter. Criteria: Invitae Variant Classification Sherloc (09022015). Collection method: clinical testing. Allele origin: germline.
Comment: In summary, the available evidence is currently insufficient to determine the role of this variant in disease. Therefore, it has been classified as a Variant of Uncertain Significance. Algorithms developed to predict the effect of missense changes on protein structure and function are either unavailable or do not agree on the potential impact of this missense change (SIFT: "Deleterious"; PolyPhen-2: "Possibly Damaging"; Align-GVGD: "Class C0"). This variant has not been reported in the literature in individuals affected with TMEM43-related conditions. This variant is present in population databases (rs769902062, gnomAD 0.006%). This sequence change replaces histidine, which is basic and polar, with tyrosine, which is neutral and polar, at codon 14 of the TMEM43 protein (p.His14Tyr).

NM_024334.3(TMEM43):c.40C>T (p.His14Tyr)

Gene: TMEM43 (transmembrane protein 43; plus strand). Cytogenetic location: 3p25.1.
Variant type: single nucleotide variant.
Coding change: c.40C>T on transcript NM_024334.3 (MANE Select); coding-DNA position 40, C replaced by T.
Protein change: p.His14Tyr; replaces histidine 14 with tyrosine.
Molecular consequence: missense variant.
Genome position (GRCh38, 1-based): chr3:14,129,439, C>T. VCF-style: chr3-14129439-C-T. GRCh37 (hg19) VCF-style: chr3-14170939-C-T.
Other names: c.40C>T, p.His14Tyr (NM_001407274.1, NM_001407275.1, NM_001407276.1 and 3 more transcripts); short protein forms H14Y.
Identifiers: ClinVar variation 2175075 (VCV002175075.5), dbSNP rs769902062, ClinGen allele CA053471.
Genomic context (GRCh38, chr3:14,129,439, plus strand): 5'-GTTTTCATTCTGTTACTGTTTCTTTTTCTTCAGTATTCCAGTACCAGTACCCGGAGAGAA[C>T]ATGTCAAAGTTAAAACCAGCTCCCAGCCAGGCTTCCTGGAACGGCTGAGCGAGACCTCGG-3'
Protein context (NP_077310.1, residues 4-24): NYSSTSTRRE[His14Tyr]VKVKTSSQPG